The following is an entry in ClinVar:

ClinVar aggregate classification (germline): Uncertain significance (1 of 4 stars; one submission).

Submission:

GeneDx
Classification: Uncertain significance. Last evaluated: 2022-05-03. Review status: criteria provided, single submitter. Criteria: GeneDx Variant Classification Process June 2021. Collection method: clinical testing. Allele origin: germline. Affected: yes.
Comment: Not observed at significant frequency in large population cohorts (gnomAD); In silico analysis supports that this missense variant has a deleterious effect on protein structure/function; Has not been previously published as pathogenic or benign to our knowledge

NM_001318852.2(MAPK8IP3):c.1682A>C (p.Glu561Ala)

Gene: MAPK8IP3 (mitogen-activated protein kinase 8 interacting protein 3; plus strand). Cytogenetic location: 16p13.3.
Variant type: single nucleotide variant.
Coding change: c.1682A>C on transcript NM_001318852.2 (MANE Select); coding-DNA position 1682, A replaced by C.
Protein change: p.Glu561Ala; replaces glutamic acid 561 with alanine.
Molecular consequence: missense variant.
Genome position (GRCh38, 1-based): chr16:1,762,686, A>C. VCF-style: chr16-1762686-A-C. GRCh37 (hg19) VCF-style: chr16-1812687-A-C.
Other names: c.1661A>C, p.Glu554Ala (NM_001040439.2); c.1679A>C, p.Glu560Ala (NM_015133.5, NM_033392.3); short protein forms E554A, E560A, E561A.
Identifiers: ClinVar variation 1723681 (VCV001723681.2), dbSNP rs2548097624, ClinGen allele CA394232418.